The following is an entry in ClinVar:

ClinVar aggregate classification (germline): Pathogenic (1 of 4 stars; one submission).

Submission:

Labcorp Genetics (formerly Invitae), Labcorp
Classification: Pathogenic. Last evaluated: 2023-07-25. Review status: criteria provided, single submitter. Criteria: Invitae Variant Classification Sherloc (09022015). Collection method: clinical testing. Allele origin: germline.
Comment: For these reasons, this variant has been classified as Pathogenic. This variant has not been reported in the literature in individuals affected with TPO-related conditions. This variant is not present in population databases (gnomAD no frequency). This sequence change creates a premature translational stop signal (p.Lys150Asnfs*59) in the TPO gene. It is expected to result in an absent or disrupted protein product. Loss-of-function variants in TPO are known to be pathogenic (PMID: 11061528, 23236987, 25564141).

Literature cited by the submitters: PubMed 11061528; PubMed 23236987; PubMed 25564141.

NM_001206744.2(TPO):c.450del (p.Lys150fs)

Gene: TPO (thyroid peroxidase; plus strand). Cytogenetic location: 2p25.3.
Variant type: Deletion.
Coding change: c.450del on transcript NM_001206744.2 (MANE Select); coding-DNA position 450, one base deleted (A; older notation c.450delA).
Protein change: p.Lys150fs; shifts the reading frame from lysine 150.
Molecular consequence: frameshift variant.
Genome position (GRCh38, 1-based): chr2:1,436,352, A deleted; the last of 3 consecutive A bases (chr2:1,436,350-1,436,352); deleting any one gives the same sequence. VCF-style (leftmost placement, unchanged base first): chr2-1436349-CA-C. GRCh37 (hg19) VCF-style: chr2-1440121-CA-C.
Other names: c.450del, p.Lys150fs (NM_000547.6, NM_001206745.2, NM_175719.4 and 2 more transcripts); short protein forms K150fs.
Identifiers: ClinVar variation 2817149 (VCV002817149.3), dbSNP rs1665569087, ClinGen allele CA1233545491.
Genomic context (GRCh38, chr2:1,436,349, plus strand): 5'-CATGTCTGGATGTCTCCCTTACATGCTGCCCCCAAAATGCCCAAACACTTGCCTGGCGAA[CA>C]AATACAGGCCCATCACAGGAGCTTGCAACAACAGGTATTGTTTGTGGATTTTCTTAATCT-3'